The following is an entry in ClinVar:

NM_000704.3(ATP4A):c.1271_1275del (p.Gln424fs)

Gene: ATP4A (ATPase H+/K+ transporting subunit alpha; minus strand). Cytogenetic location: 19q13.12.
Variant type: Deletion.
Coding change: c.1271_1275del on transcript NM_000704.3 (MANE Select); coding-DNA positions 1271 to 1275, 5 bases deleted (AGTCC; older notation c.1271_1275delAGTCC).
Protein change: p.Gln424fs; shifts the reading frame from glutamine 424.
Molecular consequence: frameshift variant.
Genome position (GRCh38, 1-based): chr19:35,558,667-35,558,671, GGACT deleted on the plus strand (AGTCC on the coding strand, the reverse complement: ATP4A is on the minus strand); deleting any 5 consecutive bases within chr19:35,558,667-35,558,673 gives the same sequence; the c. name uses the placement nearest the transcript's 3' end. VCF-style (leftmost placement, unchanged base first): chr19-35558666-AGGACT-A. GRCh37 (hg19) VCF-style: chr19-36049568-AGGACT-A.
Other names: short protein forms Q424fs.
Identifiers: ClinVar variation 4713052 (VCV004713052.1).
Genomic context (GRCh38, chr19:35,558,666, plus strand): 5'-ACTTGAAGGCGGCGCGGTTGCACAGGGTGAGCACCCGGCACAGCGCCCGCCACGTCTCCG[AGGACT>A]GGTCAAACGTCTGCCCTGCAGACCAGGCGTCCAGGCTGGGTCCCGCACGGCGGCTCTCCC-3'

ClinVar aggregate classification (germline): Uncertain significance (1 of 4 stars; one submission).

Submission:

Labcorp Genetics (formerly Invitae), Labcorp
Classification: Uncertain significance. Last evaluated: 2025-02-19. Review status: criteria provided, single submitter. Criteria: Invitae Variant Classification Sherloc (09022015). Collection method: clinical testing. Allele origin: germline.
Comment: This sequence change creates a premature translational stop signal (p.Gln424Leufs*148) in the ATP4A gene. It is expected to result in an absent or disrupted protein product. However, the current clinical and genetic evidence is not sufficient to establish whether loss-of-function variants in ATP4A cause disease. This variant is not present in population databases (gnomAD no frequency). This variant has not been reported in the literature in individuals affected with ATP4A-related conditions. In summary, the available evidence is currently insufficient to determine the role of this variant in disease. Therefore, it has been classified as a Variant of Uncertain Significance.